The following is an entry in ClinVar:

NM_003848.4(SUCLG2):c.1120A>C (p.Asn374His)

Gene: SUCLG2 (succinate-CoA ligase GDP-forming subunit beta; minus strand). Cytogenetic location: 3p14.1.
Variant type: single nucleotide variant.
Coding change: c.1120A>C on transcript NM_003848.4 (MANE Select); coding-DNA position 1120, A replaced by C.
Protein change: p.Asn374His; replaces asparagine 374 with histidine.
Molecular consequence: missense variant.
Genome position (GRCh38, 1-based): chr3:67,400,794, T>G on the plus strand (A>C on the coding strand, the complement: SUCLG2 is on the minus strand). VCF-style: chr3-67400794-T-G. GRCh37 (hg19) VCF-style: chr3-67451218-T-G.
Other names: c.1120A>C, p.Asn374His (NM_001177599.2); short protein forms N374H.
Identifiers: ClinVar variation 2981426 (VCV002981426.3), dbSNP rs2471450376, ClinGen allele CA353552696.

ClinVar aggregate classification (germline): Uncertain significance (1 of 4 stars; one submission).

Allele frequency attached by ClinVar (database versions not stated): gnomAD exomes below 0.00001.
gnomAD v4.1: 3 of 1,612,622 alleles (0.00019%); highest among the groups gnomAD compares: Non-Finnish European, 0.00025%; no homozygotes.

Submission:

Labcorp Genetics (formerly Invitae), Labcorp
Classification: Uncertain significance. Last evaluated: 2024-01-04. Review status: criteria provided, single submitter. Criteria: Invitae Variant Classification Sherloc (09022015). Collection method: clinical testing. Allele origin: germline.
Comment: This sequence change replaces asparagine, which is neutral and polar, with histidine, which is basic and polar, at codon 374 of the SUCLG2 protein (p.Asn374His). This variant is not present in population databases (gnomAD no frequency). This variant has not been reported in the literature in individuals affected with SUCLG2-related conditions. An algorithm developed to predict the effect of missense changes on protein structure and function (PolyPhen-2) suggests that this variant is likely to be disruptive. In summary, the available evidence is currently insufficient to determine the role of this variant in disease. Therefore, it has been classified as a Variant of Uncertain Significance.